The following is an entry in ClinVar:

NM_017433.5(MYO3A):c.178G>A (p.Glu60Lys)

Gene: MYO3A (myosin IIIA; plus strand). Cytogenetic location: 10p12.1.
Variant type: single nucleotide variant.
Coding change: c.178G>A on transcript NM_017433.5 (MANE Select); coding-DNA position 178, G replaced by A.
Protein change: p.Glu60Lys; replaces glutamic acid 60 with lysine.
Molecular consequence: missense variant.
Genome position (GRCh38, 1-based): chr10:25,954,883, G>A. VCF-style: chr10-25954883-G-A. GRCh37 (hg19) VCF-style: chr10-26243812-G-A.
Other names: c.178G>A, p.Glu60Lys (NM_001368265.1); short protein forms E60K.
Identifiers: ClinVar variation 3363699 (VCV003363699.2).
Genomic context (GRCh38, chr10:25,954,883, plus strand): 5'-CATTACTCATGGTTTTCTCACAGTTCTATTCTTATGACTTTTTGAAACTAGGATATTGAC[G>A]AAGAGATTGAAGCAGAATATAACATCTTAAAAGCACTTTCTGACCACCCTAATGTGGTCA-3'
Protein context (NP_059129.3, residues 50-70): KILDPIHDID[Glu60Lys]EIEAEYNILK

ClinVar aggregate classification (germline): Uncertain significance. Review status: criteria provided, multiple submitters, no conflicts (2 of 4 stars). 2 submissions from 2 submitters: Uncertain significance (2). Last evaluated 2025-06-06.

Conditions:
Inborn genetic diseases. Identifiers: MedGen C0950123, MeSH D030342.

gnomAD v4.1: 29 of 1,611,928 alleles (0.0018%); highest among the groups gnomAD compares: Middle Eastern, 0.017%; no homozygotes.

Submissions (2):

Ambry Genetics
Classification: Uncertain significance for Inborn genetic diseases. Last evaluated: 2025-06-06. Review status: criteria provided, single submitter. Criteria: Ambry Variant Classification Scheme 2023. Collection method: clinical testing. Allele origin: germline.

GeneDx
Classification: Uncertain significance. Last evaluated: 2023-11-15. Review status: criteria provided, single submitter. Criteria: GeneDx Variant Classification Process June 2021. Collection method: clinical testing. Allele origin: germline. Affected: yes.
Comment: In silico analysis supports that this missense variant has a deleterious effect on protein structure/function; Has not been previously published as pathogenic or benign to our knowledge